The following is an entry in ClinVar:

NM_005422.4(TECTA):c.791G>T (p.Gly264Val)

Genes: TBCEL-TECTA (TBCEL-TECTA readthrough; plus strand), TECTA (tectorin alpha; plus strand). Cytogenetic location: 11q23.3.
Variant type: single nucleotide variant.
Coding change: c.791G>T on transcript NM_005422.4 (MANE Select); coding-DNA position 791, G replaced by T.
Protein change: p.Gly264Val; replaces glycine 264 with valine.
Molecular consequence: missense variant.
Genome position (GRCh38, 1-based): chr11:121,118,306, G>T. VCF-style: chr11-121118306-G-T. GRCh37 (hg19) VCF-style: chr11-120989015-G-T.
Other names: c.1748G>T, p.Gly583Val (NM_001378761.1); short protein forms G264V, G583V.
Identifiers: ClinVar variation 5037128 (VCV005037128.1).

ClinVar aggregate classification (germline): Uncertain significance (1 of 4 stars; one submission).

Submission:

GeneDx
Classification: Uncertain significance. Last evaluated: 2026-04-14. Review status: criteria provided, single submitter. Criteria: GeneDx Variant Classification Process June 2021. Collection method: clinical testing. Allele origin: germline.
Comment: Not observed at significant frequency in large population cohorts (gnomAD); In silico analysis supports that this missense variant has a deleterious effect on protein structure/function; In silico analysis is inconclusive as to whether the variant alters gene splicing. In the absence of RNA/functional studies, the actual effect of this sequence change is unknown.; Has not been previously published as pathogenic or benign to our knowledge; This variant is associated with the following publications: (PMID: 21520338, 31554319, 9590290)